The following is an entry in ClinVar:

ClinVar aggregate classification (germline): Uncertain significance (1 of 4 stars; one submission).

Conditions:
KMT2E-related disorder. Also called: KMT2E-related condition.

Submission:

PreventionGenetics, part of Exact Sciences
Classification: Uncertain significance for KMT2E-related condition. Last evaluated: 2025-03-19. Review status: criteria provided, single submitter. Criteria: ACMG Guidelines, 2015. Collection method: clinical testing. Allele origin: germline.
Comment: The KMT2E c.4024G>T variant is predicted to result in the amino acid substitution p.Asp1342Tyr. To our knowledge, this variant has not been reported in the literature or in a large population database (gnomAD), indicating this variant is rare. At this time, the clinical significance of this variant is uncertain due to the absence of conclusive functional and genetic evidence.

NM_182931.3(KMT2E):c.4024G>T (p.Asp1342Tyr)

Gene: KMT2E (lysine methyltransferase 2E (inactive); plus strand). Cytogenetic location: 7q22.3.
Variant type: single nucleotide variant.
Coding change: c.4024G>T on transcript NM_182931.3 (MANE Select); coding-DNA position 4024, G replaced by T.
Protein change: p.Asp1342Tyr; replaces aspartic acid 1342 with tyrosine.
Molecular consequence: missense variant.
Genome position (GRCh38, 1-based): chr7:105,110,824, G>T. VCF-style: chr7-105110824-G-T. GRCh37 (hg19) VCF-style: chr7-104751271-G-T.
Other names: c.3898G>T, p.Asp1300Tyr (NM_001410908.1); c.4024G>T, p.Asp1342Tyr (NM_018682.4); short protein forms D1342Y, D1300Y.
Identifiers: ClinVar variation 4999580 (VCV004999580.1).